The following is an entry in ClinVar:

ClinVar aggregate classification (germline): Uncertain significance (1 of 4 stars; one submission).

gnomAD v4.1: 1 of 1,613,798 alleles (0.000062%); highest among the groups gnomAD compares: African/African-American, 0.0013%; no homozygotes.

Submission:

GeneDx
Classification: Uncertain significance. Last evaluated: 2025-01-29. Review status: criteria provided, single submitter. Criteria: GeneDx Variant Classification Process June 2021. Collection method: clinical testing. Allele origin: germline. Affected: yes.
Comment: Not observed at significant frequency in large population cohorts (gnomAD); In silico analysis indicates that this missense variant does not alter protein structure/function; Has not been previously published as pathogenic or benign to our knowledge

NM_018489.3(ASH1L):c.5936A>G (p.Lys1979Arg)

Gene: ASH1L (ASH1 like histone lysine methyltransferase; minus strand). Cytogenetic location: 1q22.
Variant type: single nucleotide variant.
Coding change: c.5936A>G on transcript NM_018489.3 (MANE Select); coding-DNA position 5936, A replaced by G.
Protein change: p.Lys1979Arg; replaces lysine 1979 with arginine.
Molecular consequence: missense variant.
Genome position (GRCh38, 1-based): chr1:155,415,816, T>C on the plus strand (A>G on the coding strand, the complement: ASH1L is on the minus strand). VCF-style: chr1-155415816-T-C. GRCh37 (hg19) VCF-style: chr1-155385607-T-C.
Other names: c.5936A>G, p.Lys1979Arg (NM_001366177.2); short protein forms K1979R.
Identifiers: ClinVar variation 4072644 (VCV004072644.1).